The following is an entry in ClinVar:

ClinVar aggregate classification (germline): Pathogenic. Review status: criteria provided, multiple submitters, no conflicts (2 of 4 stars). 5 submissions from 5 submitters: Pathogenic (5). Last evaluated 2026-06-04.

Conditions:
ABCA4-related disorder. Also called: ABCA4-related condition; ABCA4-related disorders. Identifiers: MedGen CN239167.

Allele frequency attached by ClinVar (database versions not stated): ExAC 0.00001; gnomAD exomes 0.00001 and 0.00004; TOPMed 0.00002; gnomAD 0.00003 and 0.00004; ESP Exome Variant Server 0.00008.
gnomAD v4.1: 24 of 1,612,788 alleles (0.0015%); highest among the groups gnomAD compares: South Asian, 0.0077%; no homozygotes.

Submissions (5):

PreventionGenetics, part of Exact Sciences
Classification: Pathogenic for ABCA4-related condition. Last evaluated: 2026-06-04. Review status: criteria provided, single submitter. Criteria: ACMG Guidelines, 2015. Collection method: clinical testing. Allele origin: germline.
Comment: The ABCA4 c.1958G>A variant is predicted to result in the amino acid substitution p.Arg653His. This variant has been reported in the compound heterozygous state in individuals with retinal disease (see for examples: Bauwens et al. 2015. PubMed ID: 25346251; Table S2, Liu. 2020. PubMed ID: 33090715; Moon et al. 2022. PubMed ID: 35052368). A functional study using protein expression in cell culture found that the p.Arg653His substitution decreases the protein functions of substrate binding and ATPase activation (Garces et al. 2020. PubMed ID: 33375396). This variant is present in 0.016% of alleles in individuals of African descent in gnomAD. Given the evidence, we interpret this variant as pathogenic.

Labcorp Genetics (formerly Invitae), Labcorp
Classification: Pathogenic. Last evaluated: 2025-09-22. Review status: criteria provided, single submitter. Criteria: Invitae Variant Classification Sherloc (09022015). Collection method: clinical testing. Allele origin: germline.
Comment: This sequence change replaces arginine, which is basic and polar, with histidine, which is basic and polar, at codon 653 of the ABCA4 protein (p.Arg653His). This variant is present in population databases (rs141823837, gnomAD 0.02%). This missense change has been observed in individuals with Stargardt disease (PMID: 25346251, 29975949; internal data). ClinVar contains an entry for this variant (Variation ID: 417982). Invitae Evidence Modeling of protein sequence and biophysical properties (such as structural, functional, and spatial information, amino acid conservation, physicochemical variation, residue mobility, and thermodynamic stability) indicates that this missense variant is expected to disrupt ABCA4 protein function with a positive predictive value of 95%. This variant disrupts the p.Arg653 amino acid residue in ABCA4. Other variant(s) that disrupt this residue have been determined to be pathogenic (PMID: 23776498, 28559085). This suggests that this residue is clinically significant, and that variants that disrupt this residue are likely to be disease-causing. For these reasons, this variant has been classified as Pathogenic.

GeneDx
Classification: Pathogenic. Last evaluated: 2025-07-17. Review status: criteria provided, single submitter. Criteria: GeneDx Variant Classification Process June 2021. Collection method: clinical testing. Allele origin: germline. Affected: yes.
Comment: Published functional studies suggest a damaging effect due to reduced substrate binding and reduced substrate-induced ATPase activity (PMID: 33375396); In silico analysis supports that this missense variant has a deleterious effect on protein structure/function; This variant is associated with the following publications: (PMID: 35120629, 36460718, 37217489, 37779911, 33090715, 33301772, 33691693, 35052368, 31618812, 29975949, 39661867, 25346251, 33375396, 32307445, 11702214, 25444351, 23953153)

Blueprint Genetics
Classification: Pathogenic for ABCA4-related disorders. Last evaluated: 2024-02-17. Review status: criteria provided, single submitter. Criteria: ACMG Guidelines, 2015. Collection method: clinical testing. Allele origin: germline. Affected: yes. Observed: 5 variant alleles.

CeGaT Center for Human Genetics Tuebingen
Classification: Pathogenic. Last evaluated: 2017-07-01. Review status: criteria provided, single submitter. Criteria: CeGaT Center For Human Genetics Tuebingen Variant Classification Criteria Version 2. Collection method: clinical testing. Allele origin: germline. Affected: yes. Observed: 1 variant allele.

Literature cited by the submitters: PubMed 25346251 (cited by Labcorp Genetics (formerly Invitae), Labcorp); PubMed 29975949 (cited by Labcorp Genetics (formerly Invitae), Labcorp); PubMed 23776498 (cited by Labcorp Genetics (formerly Invitae), Labcorp); PubMed 28559085 (cited by Labcorp Genetics (formerly Invitae), Labcorp).

NM_000350.3(ABCA4):c.1958G>A (p.Arg653His)

Gene: ABCA4 (ATP binding cassette subfamily A member 4; minus strand). Cytogenetic location: 1p22.1.
Variant type: single nucleotide variant.
Coding change: c.1958G>A on transcript NM_000350.3 (MANE Select); coding-DNA position 1958, G replaced by A.
Protein change: p.Arg653His; replaces arginine 653 with histidine.
Molecular consequence: missense variant.
Genome position (GRCh38, 1-based): chr1:94,060,739, C>T on the plus strand (G>A on the coding strand, the complement: ABCA4 is on the minus strand). VCF-style: chr1-94060739-C-T. GRCh37 (hg19) VCF-style: chr1-94526295-C-T.
Other names: c.1958G>A, p.Arg653His (NM_001425324.1); short protein forms R653H.
Identifiers: ClinVar variation 417982 (VCV000417982.55), dbSNP rs141823837, ClinGen allele CA958377.